The following is an entry in ClinVar:

NM_020366.4(RPGRIP1):c.256C>T (p.Arg86Trp)

Gene: RPGRIP1 (RPGR interacting protein 1; plus strand). Cytogenetic location: 14q11.2.
Variant type: single nucleotide variant.
Coding change: c.256C>T on transcript NM_020366.4 (MANE Select); coding-DNA position 256, C replaced by T.
Protein change: p.Arg86Trp; replaces arginine 86 with tryptophan.
Molecular consequence: missense variant.
Genome position (GRCh38, 1-based): chr14:21,301,003, C>T. VCF-style: chr14-21301003-C-T. GRCh37 (hg19) VCF-style: chr14-21769162-C-T.
Other names: short protein forms R86W.
Identifiers: ClinVar variation 99816 (VCV000099816.25), dbSNP rs62646879, ClinGen allele CA227913.

ClinVar aggregate classification (germline): Benign/Likely benign. Review status: criteria provided, multiple submitters, no conflicts (2 of 4 stars). 10 submissions from 9 submitters: Benign (6); Likely benign (3). 1 of the submissions does not count toward it. Last evaluated 2026-07-01.

Conditions:
Leber congenital amaurosis 6 (LCA6). Identifiers: Orphanet 65, MedGen C1854260, MONDO:0013446, OMIM 613826.
Cone-rod dystrophy 13 (CORD13). Identifiers: Orphanet 1872, MedGen C2750720, MONDO:0011987, OMIM 608194.

Allele frequency attached by ClinVar (database versions not stated): gnomAD exomes 0.00081 and 0.00186; ExAC 0.00231; ESP Exome Variant Server 0.00789; 1000 Genomes Project 0.00799; 1000 Genomes Project 30x 0.00843; gnomAD 0.00843 and 0.00919; TOPMed 0.00928.

Submissions (10):

CeGaT Center for Human Genetics Tuebingen
Classification: Benign. Last evaluated: 2026-07-01. Review status: criteria provided, single submitter. Criteria: CeGaT Center For Human Genetics Tuebingen Variant Classification Criteria Version 2. Collection method: clinical testing. Allele origin: germline. Affected: yes. Observed: 1 variant allele.
Comment: RPGRIP1: BS1, BS2

Labcorp Genetics (formerly Invitae), Labcorp
Classification: Benign for Leber congenital amaurosis 6; Cone-rod dystrophy 13. Last evaluated: 2026-02-02. Review status: criteria provided, single submitter. Criteria: Invitae Variant Classification Sherloc (09022015). Collection method: clinical testing. Allele origin: germline.

Blueprint Genetics
Classification: Likely benign. Last evaluated: 2024-11-25. Review status: criteria provided, single submitter. Criteria: ACMG Guidelines, 2015. Collection method: clinical testing. Allele origin: germline.

ARUP Laboratories, Molecular Genetics and Genomics, ARUP Laboratories
Classification: Benign. Last evaluated: 2022-09-13. Review status: criteria provided, single submitter. Criteria: ARUP Molecular Germline Variant Investigation Process 2021. Collection method: clinical testing. Allele origin: germline.

Women's Health and Genetics/Laboratory Corporation of America, LabCorp
Classification: Likely benign. Last evaluated: 2022-02-18. Review status: criteria provided, single submitter. Criteria: LabCorp Variant Classification Summary - May 2015. Collection method: clinical testing. Allele origin: germline.

Illumina Laboratory Services, Illumina
Classification: Benign for Cone-rod dystrophy 13. Last evaluated: 2017-04-27. Review status: criteria provided, single submitter. Criteria: ICSL Variant Classification Criteria 13 December 2019. Collection method: clinical testing. Allele origin: germline.
Comment: This variant was observed as part of a predisposition screen in an ostensibly healthy population. A literature search was performed for the gene, cDNA change, and amino acid change (where applicable). No publications were found based on this search. Allele frequency data from public databases was too high to be consistent with this variant causing disease. Therefore, this variant is classified as benign.

Illumina Laboratory Services, Illumina
Classification: Benign for Leber congenital amaurosis 6. Last evaluated: 2017-04-27. Review status: criteria provided, single submitter. Criteria: ICSL Variant Classification Criteria 13 December 2019. Collection method: clinical testing. Allele origin: germline.
Comment: This variant was observed as part of a predisposition screen in an ostensibly healthy population. A literature search was performed for the gene, cDNA change, and amino acid change (where applicable). Publications were found based on this search. The evidence from the literature, in combination with allele frequency data from public databases where available, was sufficient to rule this variant out of causing disease. Therefore, this variant is classified as benign.

Eurofins Ntd Llc (ga)
Classification: Benign. Last evaluated: 2016-04-14. Review status: criteria provided, single submitter. Criteria: EGL Classification Definitions 2015. Collection method: clinical testing. Allele origin: germline. Observed: 1 variant allele, 1 heterozygote.

Breakthrough Genomics
Classification: Likely benign. Review status: criteria provided, single submitter. Criteria: ACMG Guidelines, 2015. Collection method: not provided. Allele origin: germline. Inheritance: Autosomal recessive inheritance. Affected: yes.

Retina International
No classification provided. Review status: no classification provided. Collection method: not provided. Allele origin: unknown. Not counted in ClinVar's aggregate classification.

Literature cited by the submitters: PubMed 11283794 (cited by Illumina Laboratory Services, Illumina).